The following is an entry in ClinVar:

NM_000051.4(ATM):c.8500T>C (p.Phe2834Leu)

Genes: ATM (ATM serine/threonine kinase; plus strand), C11orf65 (chromosome 11 open reading frame 65; minus strand). Cytogenetic location: 11q22.3.
Variant type: single nucleotide variant.
Coding change: c.8500T>C on transcript NM_000051.4 (MANE Select); coding-DNA position 8500, T replaced by C.
Protein change: p.Phe2834Leu; replaces phenylalanine 2834 with leucine.
Molecular consequence: missense variant. On other transcripts: intron variant (2).
Genome position (GRCh38, 1-based): chr11:108,345,824, T>C. VCF-style: chr11-108345824-T-C. GRCh37 (hg19) VCF-style: chr11-108216551-T-C.
Other names: c.8500T>C, p.Phe2834Leu (NM_001351834.2); c.641-36753A>G (NM_001330368.2); c.695-10532A>G (NM_001351110.2); short protein forms F2834L.
Identifiers: ClinVar variation 3774420 (VCV003774420.1).

ClinVar aggregate classification (germline): Uncertain significance (1 of 4 stars; one submission).

Conditions:
Hereditary cancer-predisposing syndrome. Also called: Neoplastic Syndromes, Hereditary; Tumor predisposition; Hereditary Cancer Syndrome; Hereditary neoplastic syndrome. Identifiers: Orphanet 140162, MedGen C0027672, MeSH D009386, MONDO:0015356.

Submission:

Molecular Diagnostics Laboratory, Catalan Institute of Oncology
Classification: Uncertain significance for Hereditary cancer-predisposing syndrome. Last evaluated: 2025-01-14. Review status: criteria provided, single submitter. Criteria: ClinGen ACMG Specifications ATM V1.1.0. Collection method: clinical testing. Allele origin: germline.
Comment: PM2_Supporting, PP3, PM3 c.8500T>C, located in exon 58 of the ATM gene, is predicted to result in the substitution of phenylalanine by leucine at codon 2834, p.(Phe2834Leu). It is not present in the population database gnomAD v2.1.1, non-cancer dataset (PM2_supporting). The SpliceAI algorithm predicts no significant impact on splicing. The REVEL meta-predictor score for this variant (0.895) suggests a deleterious effect on protein function (PP3). It has been reported in an ataxia-telangiectasia patient in a heterozygous state along with a nonsense variant; furthermore, the expression assay in patient lymphoblastoid cell lines showed ATM protein levels ≤ 15% of controls as well as increased sensitivity to ionizing radiation (PMID: 27664052) (PM3_Moderate). This variant has only been reported once in LOVD as pathogenic, and has not been reported in the ClinVar database. Based on currently available information, the variant c.8500T>C should be considered an uncertain significance variant according to ACMG Classification Rules Specified for ATM v1.1.